The following is an entry in ClinVar:

ClinVar aggregate classification (germline): Uncertain significance (1 of 4 stars; one submission).

Submission:

Labcorp Genetics (formerly Invitae), Labcorp
Classification: Uncertain significance. Last evaluated: 2022-04-23. Review status: criteria provided, single submitter. Criteria: Invitae Variant Classification Sherloc (09022015). Collection method: clinical testing. Allele origin: germline.
Comment: A copy number gain of the genomic region encompassing the full coding sequence of the GPR88 gene has been identified. The boundaries of this event are unknown as they extend beyond the assayed region for this gene and therefore may encompass additional genes. As the precise location of this event is unknown, it may be in tandem or it may be located elsewhere in the genome. This variant has not been reported in the literature in individuals affected with GPR88-related conditions. In summary, the available evidence is currently insufficient to determine the role of this variant in disease. Therefore, it has been classified as a Variant of Uncertain Significance.

NC_000001.10:g.(?_100928187)_(101005677_?)dup

Genes: CDC14A (cell division cycle 14A; plus strand), GPR88 (G protein-coupled receptor 88; plus strand). Cytogenetic location: 1p21.2.
Variant type: Duplication.
Identifiers: ClinVar variation 2426708 (VCV002426708.3).